The following is an entry in ClinVar:

NM_001164508.2(NEB):c.8986T>G (p.Tyr2996Asp)

Gene: NEB (nebulin; minus strand). Cytogenetic location: 2q23.3.
Variant type: single nucleotide variant.
Coding change: c.8986T>G on transcript NM_001164508.2 (MANE Select); coding-DNA position 8986, T replaced by G.
Protein change: p.Tyr2996Asp; replaces tyrosine 2996 with aspartic acid.
Molecular consequence: missense variant. On other transcripts: intron variant (1).
Genome position (GRCh38, 1-based): chr2:151,639,288, A>C on the plus strand (T>G on the coding strand, the complement: NEB is on the minus strand). VCF-style: chr2-151639288-A-C. GRCh37 (hg19) VCF-style: chr2-152495802-A-C.
Other names: p.Tyr2996Asp; c.8986T>G, p.Tyr2996Asp (NM_001164507.2, NM_001271208.2); c.8853+605T>G (NM_004543.5); short protein forms Y2996D.
Identifiers: ClinVar variation 4540685 (VCV004540685.1).

ClinVar aggregate classification (germline): Uncertain significance (1 of 4 stars; one submission).

Submission:

Mayo Clinic Laboratories, Mayo Clinic
Classification: Uncertain significance. Last evaluated: 2025-10-09. Review status: criteria provided, single submitter. Criteria: ACMG Guidelines, 2015. Collection method: clinical testing. Allele origin: germline. Observed: 1 variant allele.
Comment: BP4